The following is an entry in ClinVar:

NM_001377265.1(MAPT):c.534C>A (p.Gly178=)

Gene: MAPT (microtubule associated protein tau). Cytogenetic location: 17q21.31.
Variant type: single nucleotide variant.
Coding change: c.534C>A on transcript NM_001377265.1 (MANE Select); coding-DNA position 534, C replaced by A.
Protein change: p.Gly178=; no amino-acid change (glycine 178 retained).
Molecular consequence: synonymous variant. On other transcripts: intron variant (10).
Genome position (GRCh38, 1-based): chr17:45,983,113, C>A. VCF-style: chr17-45983113-C-A. GRCh37 (hg19) VCF-style: chr17-44060479-C-A.
Other names: c.374-3927C>A (NM_001203252.2, NM_005910.6); c.287-3927C>A (NM_001123067.4, NM_001203251.2, NM_001377267.1); c.200-3927C>A (NM_016834.5, NM_016841.5, NM_001377268.1); c.534C>A, p.Gly178= (NM_001377266.1); c.374-65C>A (NM_001123066.4, NM_016835.5).
Identifiers: ClinVar variation 4281066 (VCV004281066.7).
Genomic context (GRCh38, chr17:45,983,113, plus strand): 5'-CCCAGCGCCTCCTCCAACAGGAGGCCCTCAGGAGCCCTCCCTGGAGTGGGGACAAAAAGG[C>A]GGGGACTGGGCCGAGAAGGGTCCGGCCTTTCCGAAGCCCGCCACCACTGCGTATCTCCAC-3'
Protein context (NP_001364194.1, residues 168-188): QEPSLEWGQK[Gly178=]GDWAEKGPAF

ClinVar aggregate classification (germline): Likely benign (1 of 4 stars; one submission).

gnomAD v4.1: 424 of 1,561,218 alleles (0.027%); highest among the groups gnomAD compares: African/African-American, 0.51%; 1 homozygote.

Submission:

CeGaT Center for Human Genetics Tuebingen
Classification: Likely benign. Last evaluated: 2025-11-01. Review status: criteria provided, single submitter. Criteria: CeGaT Center For Human Genetics Tuebingen Variant Classification Criteria Version 2. Collection method: clinical testing. Allele origin: germline. Affected: yes. Observed: 2 variant alleles.
Comment: MAPT: BP4, BP7